The following is an entry in ClinVar:

NM_005120.3(MED12):c.6208CAG[9] (p.Gln2075_Gln2076dup)

Gene: MED12 (mediator complex subunit 12; plus strand). Cytogenetic location: Xq13.1.
Variant type: Microsatellite.
Coding change: c.6208CAG[9] on transcript NM_005120.3 (MANE Select); nine copies in a row of the 3-base unit CAG starting at c.6208; the reference has seven copies in a row; two copies, 6 bases duplicated; also written c.6223_6228dup.
Protein change: p.Gln2075_Gln2076dup.
Molecular consequence: inframe insertion.
Genome position (GRCh38, 1-based): chrX:71,140,813-71,140,818, CAGCAG duplicated; duplicating any 6 consecutive bases within chrX:71,140,798-71,140,818 gives the same sequence; the position shown is the placement nearest the transcript's 3' end. VCF-style (leftmost placement, unchanged base first): chrX-71140797-A-ACAGCAG. GRCh37 (hg19) VCF-style: chrX-70360647-A-ACAGCAG.
Other names: c.6223_6228dup (NM_005120.2); c.6223_6228dupCAGCAG (NM_005120.3).
Identifiers: ClinVar variation 213619 (VCV000213619.25), dbSNP rs757160341, ClinGen allele CA324785.

ClinVar aggregate classification (germline): Conflicting classifications of pathogenicity. Review status: criteria provided, conflicting classifications (1 of 4 stars). 7 submissions from 6 submitters: Uncertain significance (2); Benign (2); Likely benign (3). Last evaluated 2026-01-13.

Conditions:
FG syndrome (FGS). Identifiers: MedGen C0220769, MONDO:0002010.
History of neurodevelopmental disorder. Identifiers: MedGen C2711754.
Familial thoracic aortic aneurysm and aortic dissection (TAAD). Also called: Thoracic aortic aneurysms and dissections. Identifiers: Orphanet 91387, MedGen C4707243, MONDO:0019625.

Submissions (7):

Labcorp Genetics (formerly Invitae), Labcorp
Classification: Benign for FG syndrome. Last evaluated: 2026-01-13. Review status: criteria provided, single submitter. Criteria: Invitae Variant Classification Sherloc (09022015). Collection method: clinical testing. Allele origin: germline.

Women's Health and Genetics/Laboratory Corporation of America, LabCorp
Classification: Uncertain significance. Last evaluated: 2025-04-03. Review status: criteria provided, single submitter. Criteria: LabCorp Variant Classification Summary - May 2015. Collection method: clinical testing. Allele origin: germline.
Comment: Variant summary: MED12 c.6223_6228dupCAGCAG (p.Gln2075_Gln2076dup) results in an in-frame duplication that is predicted to duplicate *** amino acids into the encoded protein. The variant allele was found at a frequency of 0.00019 in 168423 control chromosomes. This frequency is not significantly higher than estimated for a pathogenic variant in MED12 causing MED12-Related Disorders, allowing no conclusion about variant significance. To our knowledge, no occurrence of c.6223_6228dupCAGCAG in individuals affected with MED12-Related Disorders and no experimental evidence demonstrating its impact on protein function have been reported. ClinVar contains an entry for this variant (Variation ID: 213619). Based on the evidence outlined above, the variant was classified as uncertain significance.

Blueprint Genetics
Classification: Likely benign. Last evaluated: 2024-03-27. Review status: criteria provided, single submitter. Criteria: ACMG Guidelines, 2015. Collection method: clinical testing. Allele origin: germline.

GeneDx
Classification: Likely benign. Last evaluated: 2022-05-12. Review status: criteria provided, single submitter. Criteria: GeneDx Variant Classification Process June 2021. Collection method: clinical testing. Allele origin: germline. Affected: yes.
Comment: See Variant Classification Assertion Criteria.

Ambry Genetics
Classification: Benign for Familial thoracic aortic aneurysm and aortic dissection. Last evaluated: 2017-04-28. Review status: criteria provided, single submitter. Criteria: Ambry Variant Classification Scheme 2023. Collection method: clinical testing. Allele origin: germline.

Eurofins Ntd Llc (ga)
Classification: Likely benign. Last evaluated: 2016-07-28. Review status: criteria provided, single submitter. Criteria: EGL Classification Definitions. Collection method: clinical testing. Allele origin: germline. Observed: 1 variant allele, 1 hemizygote.

Ambry Genetics
Classification: Uncertain significance for History of neurodevelopmental disorder. Last evaluated: 2010-12-16. Review status: criteria provided, single submitter. Criteria: Ambry Autosomal Dominant and X-Linked criteria (10/2015). Collection method: clinical testing. Allele origin: germline. Observed: 1 variant allele.